The following is an entry in ClinVar:

ClinVar aggregate classification (germline): Uncertain significance (1 of 4 stars; one submission).

Submission:

GeneDx
Classification: Uncertain significance. Last evaluated: 2025-02-13. Review status: criteria provided, single submitter. Criteria: GeneDx Variant Classification Process June 2021. Collection method: clinical testing. Allele origin: germline. Affected: yes.
Comment: Not observed at significant frequency in large population cohorts (gnomAD); Missense variant in a gene in which most reported pathogenic variants are truncating/loss of function; Has not been previously published as pathogenic or benign to our knowledge

NM_001267550.2(TTN):c.800C>T (p.Thr267Ile)

Gene: TTN (titin; minus strand). Cytogenetic location: 2q31.2.
Variant type: single nucleotide variant.
Coding change: c.800C>T on transcript NM_001267550.2 (MANE Select); coding-DNA position 800, C replaced by T.
Protein change: p.Thr267Ile; replaces threonine 267 with isoleucine.
Molecular consequence: missense variant.
Genome position (GRCh38, 1-based): chr2:178,799,601, G>A on the plus strand (C>T on the coding strand, the complement: TTN is on the minus strand). VCF-style: chr2-178799601-G-A. GRCh37 (hg19) VCF-style: chr2-179664328-G-A.
Other names: c.800C>T, p.Thr267Ile (NM_001256850.1, NM_003319.4, NM_133378.4 and 3 more transcripts); short protein forms T267I.
Identifiers: ClinVar variation 4075593 (VCV004075593.1).